The following is an entry in ClinVar:

NM_144631.6(ZNF513):c.739C>T (p.Arg247Ter)

Gene: ZNF513 (zinc finger protein 513; minus strand). Cytogenetic location: 2p23.3.
Variant type: single nucleotide variant.
Coding change: c.739C>T on transcript NM_144631.6 (MANE Select); coding-DNA position 739, C replaced by T.
Protein change: p.Arg247Ter; replaces arginine 247 with a stop codon.
Molecular consequence: nonsense.
Genome position (GRCh38, 1-based): chr2:27,378,527, G>A on the plus strand (C>T on the coding strand, the complement: ZNF513 is on the minus strand). VCF-style: chr2-27378527-G-A. GRCh37 (hg19) VCF-style: chr2-27601394-G-A.
Other names: c.553C>T, p.Arg185Ter (NM_001201459.2); short protein forms R185*, R247*.
Identifiers: ClinVar variation 3649722 (VCV003649722.2).

ClinVar aggregate classification (germline): Uncertain significance (1 of 4 stars; one submission).

Submission:

Labcorp Genetics (formerly Invitae), Labcorp
Classification: Uncertain significance. Last evaluated: 2024-04-18. Review status: criteria provided, single submitter. Criteria: Invitae Variant Classification Sherloc (09022015). Collection method: clinical testing. Allele origin: germline.
Comment: This sequence change creates a premature translational stop signal (p.Arg247*) in the ZNF513 gene. It is expected to result in an absent or disrupted protein product. However, the current clinical and genetic evidence is not sufficient to establish whether loss-of-function variants in ZNF513 cause disease. This variant is present in population databases (rs779441909, gnomAD 0.003%). This variant has not been reported in the literature in individuals affected with ZNF513-related conditions. In summary, the available evidence is currently insufficient to determine the role of this variant in disease. Therefore, it has been classified as a Variant of Uncertain Significance.